The following is an entry in ClinVar:

NM_001191061.2(SLC25A22):c.271C>T (p.Arg91Ter)

Gene: SLC25A22 (solute carrier family 25 member 22; minus strand). Cytogenetic location: 11p15.5.
Variant type: single nucleotide variant.
Coding change: c.271C>T on transcript NM_001191061.2 (MANE Select); coding-DNA position 271, C replaced by T.
Protein change: p.Arg91Ter; replaces arginine 91 with a stop codon.
Molecular consequence: nonsense.
Genome position (GRCh38, 1-based): chr11:793,551, G>A on the plus strand (C>T on the coding strand, the complement: SLC25A22 is on the minus strand). VCF-style: chr11-793551-G-A. GRCh37 (hg19) VCF-style: chr11-793551-G-A.
Other names: c.271C>T, p.Arg91Ter (NM_001191060.2, NM_024698.6); short protein forms R91*.
Identifiers: ClinVar variation 530429 (VCV000530429.9), dbSNP rs936639741, ClinGen allele CA216947427.

ClinVar aggregate classification (germline): Pathogenic. Review status: criteria provided, multiple submitters, no conflicts (2 of 4 stars). 2 submissions from 2 submitters: Pathogenic (2). Last evaluated 2022-09-01.

Conditions:
Early-infantile DEE. Also called: Early infantile epileptic encephalopathy; Ohtahara syndrome; Early infantile epileptic encephalopathy with suppression bursts. Identifiers: Orphanet 1934, MedGen C0393706, MONDO:0800491.
Developmental and epileptic encephalopathy, 3 (DEE3). Also called: Epileptic encephalopathy, early infantile, 3. Identifiers: MedGen C5574665, MONDO:0012245, OMIM 609304.

Allele frequency attached by ClinVar (database versions not stated): TOPMed below 0.00001; gnomAD exomes 0.00001.
gnomAD v4.1: 8 of 1,613,502 alleles (0.0005%); highest among the groups gnomAD compares: Non-Finnish European, 0.00068%; no homozygotes.

Submissions (2):

3billion
Classification: Pathogenic for Developmental and epileptic encephalopathy, 3. Last evaluated: 2022-09-01. Review status: criteria provided, single submitter. Criteria: ACMG Guidelines, 2015. Collection method: clinical testing. Allele origin: germline. Affected: yes. Observed: 1 homozygote.
Comment: The variant is not observed in the gnomAD v2.1.1 dataset. This stop-gained (nonsense) variant is predicted to result in a loss or disruption of normal protein function through nonsense-mediated decay (NMD) or protein truncation. Multiple pathogenic variants are reported downstream of the variant. The homozygous variant has been reported to be associated with SLC25A22-related disorder (ClinVar ID: VCV000530429/ PMID: 31589614). Therefore, this variant is classified as Pathogenic according to the recommendation of ACMG/AMP guideline.

Labcorp Genetics (formerly Invitae), Labcorp
Classification: Pathogenic for Early-infantile DEE. Last evaluated: 2022-06-13. Review status: criteria provided, single submitter. Criteria: Invitae Variant Classification Sherloc (09022015). Collection method: clinical testing. Allele origin: germline.
Comment: ClinVar contains an entry for this variant (Variation ID: 530429). This variant has not been reported in the literature in individuals affected with SLC25A22-related conditions. This variant is not present in population databases (gnomAD no frequency). This sequence change creates a premature translational stop signal (p.Arg91*) in the SLC25A22 gene. It is expected to result in an absent or disrupted protein product. Loss-of-function variants in SLC25A22 are known to be pathogenic (PMID: 15592994, 19780765). For these reasons, this variant has been classified as Pathogenic.

Literature cited by the submitters: PubMed 31589614 (cited by 3billion); PubMed 15592994 (cited by Labcorp Genetics (formerly Invitae), Labcorp); PubMed 19780765 (cited by Labcorp Genetics (formerly Invitae), Labcorp).